The following is an entry in ClinVar:

NM_018117.12(WDR11):c.2720T>A (p.Phe907Tyr)

Gene: WDR11 (WD repeat domain 11; plus strand). Cytogenetic location: 10q26.12.
Variant type: single nucleotide variant.
Coding change: c.2720T>A on transcript NM_018117.12 (MANE Select); coding-DNA position 2720, T replaced by A.
Protein change: p.Phe907Tyr; replaces phenylalanine 907 with tyrosine.
Molecular consequence: missense variant.
Genome position (GRCh38, 1-based): chr10:120,902,289, T>A. VCF-style: chr10-120902289-T-A. GRCh37 (hg19) VCF-style: chr10-122661801-T-A.
Other names: short protein forms F907Y.
Identifiers: ClinVar variation 3648259 (VCV003648259.2).

ClinVar aggregate classification (germline): Uncertain significance (1 of 4 stars; one submission).

Submission:

Labcorp Genetics (formerly Invitae), Labcorp
Classification: Uncertain significance. Last evaluated: 2024-03-31. Review status: criteria provided, single submitter. Criteria: Invitae Variant Classification Sherloc (09022015). Collection method: clinical testing. Allele origin: germline.
Comment: This sequence change replaces phenylalanine, which is neutral and non-polar, with tyrosine, which is neutral and polar, at codon 907 of the WDR11 protein (p.Phe907Tyr). This variant is not present in population databases (gnomAD no frequency). This variant has not been reported in the literature in individuals affected with WDR11-related conditions. An algorithm developed to predict the effect of missense changes on protein structure and function (PolyPhen-2) suggests that this variant is likely to be tolerated. In summary, the available evidence is currently insufficient to determine the role of this variant in disease. Therefore, it has been classified as a Variant of Uncertain Significance.